The following is an entry in ClinVar:

ClinVar aggregate classification (germline): Conflicting classifications of pathogenicity. Review status: criteria provided, conflicting classifications (1 of 4 stars). 2 submissions from 2 submitters: Uncertain significance (1); Likely benign (1). Last evaluated 2026-03-12.

Conditions:
Inborn genetic diseases. Identifiers: MedGen C0950123, MeSH D030342.
Developmental and epileptic encephalopathy, 25 (DEE25). Also called: Epileptic encephalopathy, early infantile, 25; Developmental and epileptic encephalopathy 25, with amelogenesis imperfecta; Epileptic encephalopathy, early infantile, 25, with amelogenesis imperfecta. Identifiers: Orphanet 442835, MedGen C4014621, MONDO:0014392, OMIM 615905.

Allele frequency attached by ClinVar (database versions not stated): gnomAD exomes below 0.00001 and 0.00001; TOPMed below 0.00001; ExAC 0.00001; gnomAD 0.00001.
gnomAD v4.1: 14 of 1,612,324 alleles (0.00087%); highest among the groups gnomAD compares: East Asian, 0.0022%; no homozygotes.

Submissions (2):

Ambry Genetics
Classification: Likely benign for Inborn genetic diseases. Last evaluated: 2026-03-12. Review status: criteria provided, single submitter. Criteria: Ambry Variant Classification Scheme 2023. Collection method: clinical testing. Allele origin: germline.

Labcorp Genetics (formerly Invitae), Labcorp
Classification: Uncertain significance for Developmental and epileptic encephalopathy, 25. Last evaluated: 2020-11-18. Review status: criteria provided, single submitter. Criteria: Invitae Variant Classification Sherloc (09022015). Collection method: clinical testing. Allele origin: germline.
Comment: This sequence change replaces arginine with histidine at codon 380 of the SLC13A5 protein (p.Arg380His). The arginine residue is weakly conserved and there is a small physicochemical difference between arginine and histidine. This variant is present in population databases (rs747458897, ExAC 0.006%). This variant has not been reported in the literature in individuals with SLC13A5-related conditions. Algorithms developed to predict the effect of missense changes on protein structure and function (SIFT, PolyPhen-2, Align-GVGD) all suggest that this variant is likely to be tolerated, but these predictions have not been confirmed by published functional studies and their clinical significance is uncertain. In summary, the available evidence is currently insufficient to determine the role of this variant in disease. Therefore, it has been classified as a Variant of Uncertain Significance.

NM_177550.5(SLC13A5):c.1139G>A (p.Arg380His)

Gene: SLC13A5 (solute carrier family 13 member 5; minus strand). Cytogenetic location: 17p13.1.
Variant type: single nucleotide variant.
Coding change: c.1139G>A on transcript NM_177550.5 (MANE Select); coding-DNA position 1139, G replaced by A.
Protein change: p.Arg380His; replaces arginine 380 with histidine.
Molecular consequence: missense variant.
Genome position (GRCh38, 1-based): chr17:6,694,114, C>T on the plus strand (G>A on the coding strand, the complement: SLC13A5 is on the minus strand). VCF-style: chr17-6694114-C-T. GRCh37 (hg19) VCF-style: chr17-6597433-C-T.
Other names: c.1139G>A, p.Arg380His (NM_001143838.3); c.1088G>A, p.Arg363His (NM_001284509.2); c.1010G>A, p.Arg337His (NM_001284510.2); c.1139G>A (NM_177550.3); short protein forms R337H, R363H, R380H.
Identifiers: ClinVar variation 1060743 (VCV001060743.9), dbSNP rs747458897, ClinGen allele CA8331507.
Genomic context (GRCh38, chr17:6,694,114, plus strand): 5'-GGCTCCAGTCCTGATGACTGGGCGATCAGAACAGGAGACTTACCTTCCTCAGTCTGGCTG[C>T]GGAAGTTAAACTTGGGCTTCTGTGAAGGCACAATGAATAGCAGGGTGGCCACAAAGATGG-3'
Protein context (NP_808218.1, residues 370-390): VPSQKPKFNF[Arg380His]SQTEEERKTP